The following is an entry in ClinVar:

ClinVar aggregate classification (germline): Benign (0 of 4 stars; one submission).

Conditions:
PTPRM-related disorder. Also called: PTPRM-related condition.

Allele frequency attached by ClinVar (database versions not stated): gnomAD 0.01120; TOPMed 0.01125; gnomAD exomes 0.01148; ExAC 0.01182; ESP Exome Variant Server 0.01223; 1000 Genomes Project 0.01338; 1000 Genomes Project 30x 0.01359.
gnomAD v4.1: 18,508 of 1,613,912 alleles (1.1%); highest among the groups gnomAD compares: South Asian, 3.2%; 195 homozygotes.

Submission:

PreventionGenetics, part of Exact Sciences
Classification: Benign for PTPRM-related condition. Last evaluated: 2019-02-19. Review status: no assertion criteria provided. Collection method: clinical testing. Allele origin: germline.
Comment: This variant is classified as benign based on ACMG/AMP sequence variant interpretation guidelines (Richards et al. 2015 PMID: 25741868, with internal and published modifications).

NM_001105244.2(PTPRM):c.1206A>G (p.Pro402=)

Gene: PTPRM (protein tyrosine phosphatase receptor type M; plus strand). Cytogenetic location: 18p11.23.
Variant type: single nucleotide variant.
Coding change: c.1206A>G on transcript NM_001105244.2 (MANE Select); coding-DNA position 1206, A replaced by G.
Protein change: p.Pro402=; no amino-acid change (proline 402 retained).
Molecular consequence: synonymous variant.
Genome position (GRCh38, 1-based): chr18:8,069,759, A>G. VCF-style: chr18-8069759-A-G. GRCh37 (hg19) VCF-style: chr18-8069757-A-G.
Other names: c.567A>G, p.Pro189= (NM_001378142.1, NM_001378143.1, NM_001378144.1 and 3 more transcripts); c.1206A>G, p.Pro402= (NM_002845.4).
Identifiers: ClinVar variation 3041857 (VCV003041857.2), dbSNP rs145226629, ClinGen allele CA8884060.